The following is an entry in ClinVar:

NM_201596.3(CACNB2):c.631A>G (p.Ile211Val)

Gene: CACNB2 (calcium voltage-gated channel auxiliary subunit beta 2; plus strand). Cytogenetic location: 10p12.31.
Variant type: single nucleotide variant.
Coding change: c.631A>G on transcript NM_201596.3 (MANE Select); coding-DNA position 631, A replaced by G.
Protein change: p.Ile211Val; replaces isoleucine 211 with valine.
Molecular consequence: missense variant.
Genome position (GRCh38, 1-based): chr10:18,506,508, A>G. VCF-style: chr10-18506508-A-G. GRCh37 (hg19) VCF-style: chr10-18795437-A-G.
Other names: c.547A>G, p.Ile183Val (NM_001167945.2, NM_201571.4, NM_201572.4); c.466A>G, p.Ile156Val (NM_001330060.2, NM_000724.4); c.487A>G, p.Ile163Val (NM_201570.3); c.469A>G, p.Ile157Val (NM_201590.3); c.631A>G, p.Ile211Val (NM_201593.3, NM_201597.3); c.469A>G (NM_201590.2); short protein forms I156V, I157V, I163V, I183V, I211V.
Identifiers: ClinVar variation 1019327 (VCV001019327.12), dbSNP rs1344965960, ClinGen allele CA376059259.

ClinVar aggregate classification (germline): Uncertain significance. Review status: criteria provided, multiple submitters, no conflicts (2 of 4 stars). 3 submissions from 3 submitters: Uncertain significance (3). Last evaluated 2025-01-13.

Conditions:
Brugada syndrome 4 (BRGDA4). Identifiers: Orphanet 130, MedGen C2678477, MONDO:0012743, OMIM 611876.
Cardiovascular phenotype. Identifiers: MedGen CN230736.

Allele frequency attached by ClinVar (database versions not stated): gnomAD exomes 0.00001 and below 0.00001.
gnomAD v4.1: 3 of 1,612,412 alleles (0.00019%); highest among the groups gnomAD compares: Admixed American, 0.005%; no homozygotes.

Submissions (3):

Dasa
Classification: Uncertain significance. Last evaluated: 2025-01-13. Review status: criteria provided, single submitter. Criteria: DASA Assertion Criteria. Collection method: clinical testing. Allele origin: germline.
Comment: NM_201596.3(CACNB2):c.631A>G (p.Ile211Val) is a missense variant that results in the substitution of isoleucine with valine. This variant is rare in population databases. Computational prediction algorithms are consistent with a benign effect. The currently available literature and clinical evidence are not sufficient to establish a definitive association between this variant and the reported condition. Therefore, this variant is classified as a variant of uncertain significance.

Ambry Genetics
Classification: Uncertain significance for Cardiovascular phenotype. Last evaluated: 2022-11-17. Review status: criteria provided, single submitter. Criteria: Ambry Variant Classification Scheme 2023. Collection method: clinical testing. Allele origin: germline.
Comment: The p.I157V variant (also known as c.469A>G), located in coding exon 5 of the CACNB2 gene, results from an A to G substitution at nucleotide position 469. The isoleucine at codon 157 is replaced by valine, an amino acid with highly similar properties. This amino acid position is conserved. In addition, this alteration is predicted to be tolerated by in silico analysis. Since supporting evidence is limited at this time, the clinical significance of this alteration remains unclear.

Labcorp Genetics (formerly Invitae), Labcorp
Classification: Uncertain significance for Brugada syndrome 4. Last evaluated: 2020-04-22. Review status: criteria provided, single submitter. Criteria: Invitae Variant Classification Sherloc (09022015). Collection method: clinical testing. Allele origin: germline.
Comment: This variant is not present in population databases (ExAC no frequency). This sequence change replaces isoleucine with valine at codon 157 of the CACNB2 protein (p.Ile157Val). The isoleucine residue is moderately conserved and there is a small physicochemical difference between isoleucine and valine. This variant has not been reported in the literature in individuals with CACNB2-related conditions. In summary, the available evidence is currently insufficient to determine the role of this variant in disease. Therefore, it has been classified as a Variant of Uncertain Significance. Algorithms developed to predict the effect of missense changes on protein structure and function output the following: SIFT: "Tolerated"; PolyPhen-2: "Benign"; Align-GVGD: "Class C0". The valine amino acid residue is found in multiple mammalian species, suggesting that this missense change does not adversely affect protein function. These predictions have not been confirmed by published functional studies and their clinical significance is uncertain.